The following is an entry in ClinVar:

NM_001164508.2(NEB):c.10007T>C (p.Leu3336Pro)

Gene: NEB (nebulin; minus strand). Cytogenetic location: 2q23.3.
Variant type: single nucleotide variant.
Coding change: c.10007T>C on transcript NM_001164508.2 (MANE Select); coding-DNA position 10007, T replaced by C.
Protein change: p.Leu3336Pro; replaces leucine 3336 with proline.
Molecular consequence: missense variant.
Genome position (GRCh38, 1-based): chr2:151,627,659, A>G on the plus strand (T>C on the coding strand, the complement: NEB is on the minus strand). VCF-style: chr2-151627659-A-G. GRCh37 (hg19) VCF-style: chr2-152484173-A-G.
Other names: c.10007T>C, p.Leu3336Pro (NM_001164507.2, NM_001271208.2); c.9278T>C, p.Leu3093Pro (NM_004543.5); short protein forms L3093P, L3336P.
Identifiers: ClinVar variation 1503683 (VCV001503683.9), dbSNP rs1392434296, ClinGen allele CA348795219.

ClinVar aggregate classification (germline): Uncertain significance. Review status: criteria provided, multiple submitters, no conflicts (2 of 4 stars). 2 submissions from 2 submitters: Uncertain significance (2). Last evaluated 2025-05-06.

Conditions:
Nemaline myopathy 2 (NEM2). Also called: Nemaline myopathy 2, autosomal recessive. Identifiers: MedGen C1850569, MONDO:0009725, OMIM 256030.

Allele frequency attached by ClinVar (database versions not stated): gnomAD exomes below 0.00001.
gnomAD v4.1: 1 of 1,613,954 alleles (0.000062%); highest among the groups gnomAD compares: Admixed American, 0.0017%; no homozygotes.

Submissions (2):

Revvity Omics, Revvity
Classification: Uncertain significance. Last evaluated: 2025-05-06. Review status: criteria provided, single submitter. Criteria: ACMG Guidelines, 2015. Collection method: clinical testing. Allele origin: germline.

Labcorp Genetics (formerly Invitae), Labcorp
Classification: Uncertain significance for Nemaline myopathy 2. Last evaluated: 2022-08-06. Review status: criteria provided, single submitter. Criteria: Invitae Variant Classification Sherloc (09022015). Collection method: clinical testing. Allele origin: germline.
Comment: Algorithms developed to predict the effect of missense changes on protein structure and function are either unavailable or do not agree on the potential impact of this missense change (SIFT: "Deleterious"; PolyPhen-2: "Not Available"; Align-GVGD: "Class C0"). ClinVar contains an entry for this variant (Variation ID: 1503683). This variant has not been reported in the literature in individuals affected with NEB-related conditions. This variant is present in population databases (no rsID available, gnomAD 0.003%). This sequence change replaces leucine, which is neutral and non-polar, with proline, which is neutral and non-polar, at codon 3336 of the NEB protein (p.Leu3336Pro). In summary, the available evidence is currently insufficient to determine the role of this variant in disease. Therefore, it has been classified as a Variant of Uncertain Significance.